The following is an entry in ClinVar:

NM_017763.6(RNF43):c.1099G>A (p.Ala367Thr)

Gene: RNF43 (ring finger protein 43; minus strand). Cytogenetic location: 17q22.
Variant type: single nucleotide variant.
Coding change: c.1099G>A on transcript NM_017763.6 (MANE Select); coding-DNA position 1099, G replaced by A.
Protein change: p.Ala367Thr; replaces alanine 367 with threonine.
Molecular consequence: missense variant.
Genome position (GRCh38, 1-based): chr17:58,358,677, C>T on the plus strand (G>A on the coding strand, the complement: RNF43 is on the minus strand). VCF-style: chr17-58358677-C-T. GRCh37 (hg19) VCF-style: chr17-56436038-C-T.
Other names: c.1099G>A, p.Ala367Thr (NM_001305544.3); c.718G>A, p.Ala240Thr (NM_001305545.2); short protein forms A240T, A367T.
Identifiers: ClinVar variation 3010445 (VCV003010445.3), dbSNP rs1972761852, ClinGen allele CA400331665.

ClinVar aggregate classification (germline): Uncertain significance (1 of 4 stars; one submission).

gnomAD v4.1: 1 of 1,528,644 alleles (0.000065%); highest among the groups gnomAD compares: African/African-American, 0.0014%; no homozygotes.

Submission:

Labcorp Genetics (formerly Invitae), Labcorp
Classification: Uncertain significance. Last evaluated: 2023-12-12. Review status: criteria provided, single submitter. Criteria: Invitae Variant Classification Sherloc (09022015). Collection method: clinical testing. Allele origin: germline.
Comment: This sequence change replaces alanine, which is neutral and non-polar, with threonine, which is neutral and polar, at codon 367 of the RNF43 protein (p.Ala367Thr). This variant is not present in population databases (gnomAD no frequency). This variant has not been reported in the literature in individuals affected with RNF43-related conditions. Algorithms developed to predict the effect of missense changes on protein structure and function output the following: SIFT: "Not Available"; PolyPhen-2: "Benign"; Align-GVGD: "Not Available". The threonine amino acid residue is found in multiple mammalian species, which suggests that this missense change does not adversely affect protein function. In summary, the available evidence is currently insufficient to determine the role of this variant in disease. Therefore, it has been classified as a Variant of Uncertain Significance.